The following is an entry in ClinVar:

NM_032119.4(ADGRV1):c.18144T>C (p.His6048=)

Gene: ADGRV1 (adhesion G protein-coupled receptor V1; plus strand). Cytogenetic location: 5q14.3.
Variant type: single nucleotide variant.
Coding change: c.18144T>C on transcript NM_032119.4 (MANE Select); coding-DNA position 18144, T replaced by C.
Protein change: p.His6048=; no amino-acid change (histidine 6048 retained).
Molecular consequence: synonymous variant. On other transcripts: non-coding transcript variant (1).
Genome position (GRCh38, 1-based): chr5:90,985,514, T>C. VCF-style: chr5-90985514-T-C. GRCh37 (hg19) VCF-style: chr5-90281331-T-C.
Other names: c.18144T>C (NM_032119.3).
Identifiers: ClinVar variation 286643 (VCV000286643.18), dbSNP rs188017433, ClinGen allele CA3342562.

ClinVar aggregate classification (germline): Conflicting classifications of pathogenicity. Review status: criteria provided, conflicting classifications (1 of 4 stars). 4 submissions from 4 submitters: Uncertain significance (1); Likely benign (3). Last evaluated 2025-12-24.

Conditions:
ADGRV1-related disorder. Also called: ADGRV1-related condition; ADGRV1-related disorders.

Allele frequency attached by ClinVar (database versions not stated): gnomAD exomes 0.00002 and 0.00005; ExAC 0.00004; gnomAD 0.00005 and 0.00007; TOPMed 0.00015; ESP Exome Variant Server 0.00016.
gnomAD v4.1: 45 of 1,613,510 alleles (0.0028%); highest among the groups gnomAD compares: African/African-American, 0.051%; no homozygotes.

Submissions (4):

Labcorp Genetics (formerly Invitae), Labcorp
Classification: Likely benign. Last evaluated: 2025-12-24. Review status: criteria provided, single submitter. Criteria: Invitae Variant Classification Sherloc (09022015). Collection method: clinical testing. Allele origin: germline.

PreventionGenetics, part of Exact Sciences
Classification: Likely benign for ADGRV1-related condition. Last evaluated: 2025-03-27. Review status: criteria provided, single submitter. Criteria: ACMG Guidelines, 2015. Collection method: clinical testing. Allele origin: germline.
Comment: This variant is classified as likely benign based on ACMG/AMP sequence variant interpretation guidelines (Richards et al. 2015 PMID: 25741868, with internal and published modifications).

Blueprint Genetics
Classification: Likely benign. Last evaluated: 2024-03-05. Review status: criteria provided, single submitter. Criteria: ACMG Guidelines, 2015. Collection method: clinical testing. Allele origin: germline.

Eurofins Ntd Llc (ga)
Classification: Uncertain significance. Last evaluated: 2016-03-28. Review status: criteria provided, single submitter. Criteria: EGL Classification Definitions 2015. Collection method: clinical testing. Allele origin: germline. Observed: 1 variant allele, 1 heterozygote.